The following is an entry in ClinVar:

NM_000059.4(BRCA2):c.7806-2101C>T

Gene: BRCA2 (BRCA2 DNA repair associated; plus strand). Cytogenetic location: 13q13.1.
Variant type: single nucleotide variant.
Coding change: c.7806-2101C>T on transcript NM_000059.4 (MANE Select); 2101 bases into the intron before coding-DNA position 7806, C replaced by T.
Molecular consequence: intron variant.
Genome position (GRCh38, 1-based): chr13:32,360,422, C>T. VCF-style: chr13-32360422-C-T. GRCh37 (hg19) VCF-style: chr13-32934559-C-T.
Identifiers: ClinVar variation 264882 (VCV000264882.1), dbSNP rs11571713, ClinGen allele CA10588130.

ClinVar aggregate classification (germline): Benign (3 of 4 stars; one submission).

Conditions:
Breast-ovarian cancer, familial, susceptibility to, 2 (BROVCA2). Also called: BRCA2 Hereditary Breast and Ovarian Cancer. Identifiers: Orphanet 145, MedGen C2675520, MONDO:0012933, OMIM 612555. Disease mechanism: loss of function.

Allele frequency attached by ClinVar (database versions not stated): 1000 Genomes Project 0.00379; 1000 Genomes Project 30x 0.00422; TOPMed 0.00691; gnomAD 0.00713 and 0.00714.
gnomAD v4.1: 1,079 of 152,234 alleles (0.71%); highest among the groups gnomAD compares: Non-Finnish European, 1.2%; 7 homozygotes.

Submission:

Evidence-based Network for the Interpretation of Germline Mutant Alleles (ENIGMA)
Classification: Benign for Breast-ovarian cancer, familial, susceptibility to, 2. Last evaluated: 2016-09-28. Review status: reviewed by expert panel. Criteria: ENIGMA BRCA1/2 Classification Criteria (2015). Collection method: curation. Allele origin: germline.
Comment: Class 1 not pathogenic based on frequency >1% in an outbred sampleset. Frequency 0.0129 (European), derived from 1000 genomes (2013-05-02).